The following is an entry in ClinVar:

NM_005751.5(AKAP9):c.9697C>T (p.Arg3233Cys)

Gene: AKAP9 (A-kinase anchoring protein 9; plus strand). Cytogenetic location: 7q21.2.
Variant type: single nucleotide variant.
Coding change: c.9697C>T on transcript NM_005751.5 (MANE Select); coding-DNA position 9697, C replaced by T.
Protein change: p.Arg3233Cys; replaces arginine 3233 with cysteine.
Molecular consequence: missense variant.
Genome position (GRCh38, 1-based): chr7:92,095,141, C>T. VCF-style: chr7-92095141-C-T. GRCh37 (hg19) VCF-style: chr7-91724455-C-T.
Other names: c.4342C>T, p.Arg1448Cys (NM_001379277.1); c.9673C>T, p.Arg3225Cys (NM_147185.3); short protein forms R3233C, R3225C, R1448C.
Identifiers: ClinVar variation 527014 (VCV000527014.40), dbSNP rs61757674, ClinGen allele CA4337821.

ClinVar aggregate classification (germline): Conflicting classifications of pathogenicity. Review status: criteria provided, conflicting classifications (1 of 4 stars). 6 submissions from 6 submitters: Uncertain significance (3); Benign (1); Likely benign (2). Last evaluated 2026-05-12.

Conditions:
Cardiovascular phenotype. Identifiers: MedGen CN230736.
Long QT syndrome (LQTS). Identifiers: MedGen C0023976, MeSH D008133, MONDO:0002442. Disease mechanism: loss of function. Inheritance: Various modes of inheritance.
Long QT syndrome 11 (LQT11). Identifiers: Orphanet 101016, Orphanet 768, MedGen C2678483, MONDO:0012738, OMIM 611820.

Allele frequency attached by ClinVar (database versions not stated): 1000 Genomes Project 30x 0.00016; gnomAD exomes 0.00018; 1000 Genomes Project 0.00020; TOPMed 0.00021; ExAC 0.00023; gnomAD 0.00025 and 0.00026; ESP Exome Variant Server 0.00046.
gnomAD v4.1: 574 of 1,614,066 alleles (0.036%); highest among the groups gnomAD compares: Non-Finnish European, 0.046%; no homozygotes.

Submissions (6):

Women's Health and Genetics/Laboratory Corporation of America, LabCorp
Classification: Likely benign. Last evaluated: 2026-05-12. Review status: criteria provided, single submitter. Criteria: LabCorp Variant Classification Summary - May 2015. Collection method: clinical testing. Allele origin: germline.
Comment: Variant summary: AKAP9 c.9697C>T (p.Arg3233Cys) results in a non-conservative amino acid change in the encoded protein sequence. Algorithms developed to predict the effect of missense changes on protein structure and function are either unavailable or do not agree on the potential impact of this missense change. The variant allele was found at a frequency of 0.00018 in 251424 control chromosomes. The observed variant frequency exceeds the estimated maximal expected allele frequency for disease-causing variants in AKAP9. c.9697C>T has been observed in individual(s) affected with Long QT Syndrome without strong evidence for causality (Andreasen_2018). These report(s) do not provide unequivocal conclusions about association of the variant with Long QT Syndrome. To our knowledge, no experimental evidence demonstrating an impact on protein function has been reported. The following publication have been ascertained in the context of this evaluation (PMID: 29396561). ClinVar contains an entry for this variant (Variation ID: 527014). Based on the evidence outlined above, the variant was classified as likely benign.

Labcorp Genetics (formerly Invitae), Labcorp
Classification: Uncertain significance for Long QT syndrome. Last evaluated: 2025-11-27. Review status: criteria provided, single submitter. Criteria: Invitae Variant Classification Sherloc (09022015). Collection method: clinical testing. Allele origin: germline.
Comment: This sequence change replaces arginine, which is basic and polar, with cysteine, which is neutral and slightly polar, at codon 3233 of the AKAP9 protein (p.Arg3233Cys). This variant is present in population databases (rs61757674, gnomAD 0.03%). This variant has not been reported in the literature in individuals affected with AKAP9-related conditions. ClinVar contains an entry for this variant (Variation ID: 527014). An algorithm developed to predict the effect of missense changes on protein structure and function (PolyPhen-2) suggests that this variant is likely to be disruptive. In summary, the available evidence is currently insufficient to determine the role of this variant in disease. Therefore, it has been classified as a Variant of Uncertain Significance.

CeGaT Center for Human Genetics Tuebingen
Classification: Likely benign. Last evaluated: 2024-02-01. Review status: criteria provided, single submitter. Criteria: CeGaT Center For Human Genetics Tuebingen Variant Classification Criteria Version 2. Collection method: clinical testing. Allele origin: germline. Affected: yes. Observed: 1 variant allele.
Comment: AKAP9: BP4

Ambry Genetics
Classification: Benign for Cardiovascular phenotype. Last evaluated: 2024-01-08. Review status: criteria provided, single submitter. Criteria: Ambry Variant Classification Scheme 2023. Collection method: clinical testing. Allele origin: germline.

Dept of Medical Biology, Uskudar University
Classification: Uncertain significance for Long QT syndrome. Last evaluated: 2024-01-08. Review status: criteria provided, single submitter. Criteria: Dept of Medical Biology Variant Classification. Collection method: research. Allele origin: unknown. Affected: yes. Observed: 1 variant allele.
Comment: Criteria: BP4

Fulgent Genetics
Classification: Uncertain significance for Long QT syndrome 11. Last evaluated: 2022-02-09. Review status: criteria provided, single submitter. Criteria: ACMG Guidelines, 2015. Collection method: clinical testing. Allele origin: unknown.

Literature cited by the submitters: PubMed 29396561 (cited by Women's Health and Genetics/Laboratory Corporation of America, LabCorp); PubMed 24467814 (cited by Ambry Genetics); PubMed 26220970 (cited by Ambry Genetics); PubMed 29641532 (cited by Ambry Genetics).